The following is an entry in ClinVar:

ClinVar aggregate classification (germline): Uncertain significance (1 of 4 stars; one submission).

gnomAD v4.1: 1 of 1,613,782 alleles (0.000062%); highest among the groups gnomAD compares: Admixed American, 0.0017%; no homozygotes.

Submission:

Labcorp Genetics (formerly Invitae), Labcorp
Classification: Uncertain significance. Last evaluated: 2024-09-29. Review status: criteria provided, single submitter. Criteria: Invitae Variant Classification Sherloc (09022015). Collection method: clinical testing. Allele origin: germline.
Comment: This sequence change replaces asparagine, which is neutral and polar, with serine, which is neutral and polar, at codon 332 of the MKL1 protein (p.Asn332Ser). This variant is not present in population databases (gnomAD no frequency). This variant has not been reported in the literature in individuals affected with MKL1-related conditions. An algorithm developed to predict the effect of missense changes on protein structure and function outputs the following: PolyPhen-2: "Benign". The serine amino acid residue is found in multiple mammalian species, which suggests that this missense change does not adversely affect protein function. In summary, the available evidence is currently insufficient to determine the role of this variant in disease. Therefore, it has been classified as a Variant of Uncertain Significance.

NM_020831.6(MRTFA):c.1295A>G (p.Asn432Ser)

Gene: MRTFA (myocardin related transcription factor A; minus strand). Cytogenetic location: 22q13.1.
Variant type: single nucleotide variant.
Coding change: c.1295A>G on transcript NM_020831.6 (MANE Select); coding-DNA position 1295, A replaced by G.
Protein change: p.Asn432Ser; replaces asparagine 432 with serine.
Molecular consequence: missense variant.
Genome position (GRCh38, 1-based): chr22:40,420,463, T>C on the plus strand (A>G on the coding strand, the complement: MRTFA is on the minus strand). VCF-style: chr22-40420463-T-C. GRCh37 (hg19) VCF-style: chr22-40816467-T-C.
Other names: c.995A>G, p.Asn332Ser (NM_001282660.2); c.1145A>G, p.Asn382Ser (NM_001282661.3); c.1295A>G, p.Asn432Ser (NM_001282662.3); c.1100A>G, p.Asn367Ser (NM_001318139.2); short protein forms N332S, N367S, N382S, N432S.
Identifiers: ClinVar variation 3613500 (VCV003613500.2).